The following is an entry in ClinVar:

NM_001128922.2(LRRC32):c.*1626C>T

Genes: LRRC32 (leucine rich repeat containing 32; minus strand), LRRC32-AS1 (LRRC32 antisense RNA 1; plus strand). Cytogenetic location: 11q13.5.
Variant type: single nucleotide variant.
Coding change: c.*1626C>T on transcript NM_001128922.2 (MANE Select); 1626 bases downstream of the stop codon, C replaced by T.
Molecular consequence: 3 prime UTR variant. On other transcripts: non-coding transcript variant (1).
Genome position (GRCh38, 1-based): chr11:76,657,978, G>A on the plus strand (C>T on the coding strand, the complement: LRRC32 is on the minus strand). VCF-style: chr11-76657978-G-A. GRCh37 (hg19) VCF-style: chr11-76369022-G-A.
Other names: c.*78C>T (NM_001370187.1, NM_001370188.1); c.*1626C>T (NM_001370189.1, NM_001370190.1, NM_005512.3); c.*6C>T (NM_001370191.1).
Identifiers: ClinVar variation 1879212 (VCV001879212.29), dbSNP rs149032268, ClinGen allele CA224789473.

ClinVar aggregate classification (germline): Benign (1 of 4 stars; one submission).

Allele frequency attached by ClinVar (database versions not stated): 1000 Genomes Project 0.00479; 1000 Genomes Project 30x 0.00547; gnomAD exomes 0.00641; TOPMed 0.00965; gnomAD 0.01023.
gnomAD v4.1: 1,596 of 152,464 alleles (1%); highest among the groups gnomAD compares: Non-Finnish European, 1.5%; 19 homozygotes.

Submission:

CeGaT Center for Human Genetics Tuebingen
Classification: Benign. Last evaluated: 2023-05-01. Review status: criteria provided, single submitter. Criteria: CeGaT Center For Human Genetics Tuebingen Variant Classification Criteria Version 2. Collection method: clinical testing. Allele origin: germline. Affected: yes. Observed: 10 variant alleles.
Comment: LRRC32: BS1, BS2